The following is an entry in ClinVar:

ClinVar aggregate classification (germline): Uncertain significance (1 of 4 stars; one submission).

Conditions:
Inborn genetic diseases. Identifiers: MedGen C0950123, MeSH D030342.

Submission:

Ambry Genetics
Classification: Uncertain significance for Inborn genetic diseases. Last evaluated: 2025-12-10. Review status: criteria provided, single submitter. Criteria: Ambry Variant Classification Scheme 2023. Collection method: clinical testing. Allele origin: germline.
Comment: The p.K864Q variant (also known as c.2590A>C), located in coding exon 1 of the SAMD9L gene, results from an A to C substitution at nucleotide position 2590. The lysine at codon 864 is replaced by glutamine, an amino acid with similar properties. This amino acid position is conserved. In addition, this alteration is predicted to be tolerated by in silico analysis. Based on the available evidence, the clinical significance of this variant remains unclear.

NM_152703.5(SAMD9L):c.2590A>C (p.Lys864Gln)

Gene: SAMD9L (sterile alpha motif domain containing 9 like; minus strand). Cytogenetic location: 7q21.2.
Variant type: single nucleotide variant.
Coding change: c.2590A>C on transcript NM_152703.5 (MANE Select); coding-DNA position 2590, A replaced by C.
Protein change: p.Lys864Gln; replaces lysine 864 with glutamine.
Molecular consequence: missense variant.
Genome position (GRCh38, 1-based): chr7:93,133,382, T>G on the plus strand (A>C on the coding strand, the complement: SAMD9L is on the minus strand). VCF-style: chr7-93133382-T-G. GRCh37 (hg19) VCF-style: chr7-92762695-T-G.
Other names: c.2590A>C, p.Lys864Gln (NM_001303496.3, NM_001303497.3, NM_001303498.3 and 5 more transcripts); short protein forms K864Q.
Identifiers: ClinVar variation 4630167 (VCV004630167.1).